The following is an entry in ClinVar:

ClinVar aggregate classification (germline): Uncertain significance. Review status: criteria provided, multiple submitters, no conflicts (2 of 4 stars). 2 submissions from 2 submitters: Uncertain significance (2). Last evaluated 2024-12-26.

Conditions:
Hereditary spastic paraplegia 11. Also called: Spastic paraplegia, mental retardation and thin corpus callosum; Nakamura Osame syndrome; Autosomal recessive hereditary spastic paraplegia, mental impairment, and thin corpus callosum; SPASTIC PARAPLEGIA, AUTOSOMAL RECESSIVE, COMPLICATED, WITH THIN CORPUS CALLOSUM; SPASTIC PARAPLEGIA, AUTOSOMAL RECESSIVE, WITH MENTAL IMPAIRMENT AND THIN CORPUS CALLOSUM; Spastic Paraplegia 11. Identifiers: Orphanet 2822, MedGen C1858479, MONDO:0011445, OMIM 604360.

Allele frequency attached by ClinVar (database versions not stated): gnomAD exomes 0.00001 and 0.00002; TOPMed 0.00001; gnomAD 0.00002.
gnomAD v4.1: 32 of 1,613,630 alleles (0.002%); highest among the groups gnomAD compares: Non-Finnish European, 0.0026%; no homozygotes.

Submissions (2):

GeneDx
Classification: Uncertain significance. Last evaluated: 2024-12-26. Review status: criteria provided, single submitter. Criteria: GeneDx Variant Classification Process June 2021. Collection method: clinical testing. Allele origin: germline. Affected: yes.
Comment: Not observed at significant frequency in large population cohorts (gnomAD); In silico analysis indicates that this missense variant does not alter protein structure/function; Has not been previously published as pathogenic or benign to our knowledge

Labcorp Genetics (formerly Invitae), Labcorp
Classification: Uncertain significance for Hereditary spastic paraplegia 11. Last evaluated: 2021-08-31. Review status: criteria provided, single submitter. Criteria: Invitae Variant Classification Sherloc (09022015). Collection method: clinical testing. Allele origin: germline.
Comment: This sequence change replaces methionine with leucine at codon 2393 of the SPG11 protein (p.Met2393Leu). The methionine residue is weakly conserved and there is a small physicochemical difference between methionine and leucine. This variant is not present in population databases (ExAC no frequency). This variant has not been reported in the literature in individuals affected with SPG11-related conditions. Algorithms developed to predict the effect of missense changes on protein structure and function output the following: SIFT: "Tolerated"; PolyPhen-2: "Benign"; Align-GVGD: "Class C0". The leucine amino acid residue is found in multiple mammalian species, which suggests that this missense change does not adversely affect protein function. In summary, the available evidence is currently insufficient to determine the role of this variant in disease. Therefore, it has been classified as a Variant of Uncertain Significance.

NM_025137.4(SPG11):c.7177A>T (p.Met2393Leu)

Gene: SPG11 (SPG11 vesicle trafficking associated, spatacsin; minus strand). Cytogenetic location: 15q21.1.
Variant type: single nucleotide variant.
Coding change: c.7177A>T on transcript NM_025137.4 (MANE Select); coding-DNA position 7177, A replaced by T.
Protein change: p.Met2393Leu; replaces methionine 2393 with leucine.
Molecular consequence: missense variant.
Genome position (GRCh38, 1-based): chr15:44,563,276, T>A on the plus strand (A>T on the coding strand, the complement: SPG11 is on the minus strand). VCF-style: chr15-44563276-T-A. GRCh37 (hg19) VCF-style: chr15-44855474-T-A.
Other names: c.6838A>T, p.Met2280Leu (NM_001160227.2); short protein forms M2280L, M2393L.
Identifiers: ClinVar variation 843135 (VCV000843135.8), dbSNP rs888840813, ClinGen allele CA392211729.